The following is an entry in ClinVar:

NM_015488.5(PNKD):c.67+3A>G

Genes: PNKD (PNKD metallo-beta-lactamase domain containing; plus strand), LOC129935594 (ATAC-STARR-seq lymphoblastoid active region 17117; plus strand). Cytogenetic location: 2q35.
Variant type: single nucleotide variant.
Coding change: c.67+3A>G on transcript NM_015488.5 (MANE Select); 3 bases into the intron after coding-DNA position 67, A replaced by G.
Molecular consequence: intron variant.
Genome position (GRCh38, 1-based): chr2:218,270,605, A>G. VCF-style: chr2-218270605-A-G. GRCh37 (hg19) VCF-style: chr2-219135328-A-G.
Other names: c.67+3A>G (NM_001077399.3).
Identifiers: ClinVar variation 1373274 (VCV001373274.6), dbSNP rs1690791696, ClinGen allele CA1328680989.
Genomic context (GRCh38, chr2:218,270,605, plus strand): 5'-GTGGTAGCTGCTACGGCGCTGAAGGGCCGGGGGGCGAGAAATGCCCGCGTCCTCCGGGGT[A>G]AGGAGAGGGACCCCGGGGAGGGCAGGACTGCAGAAGATCCCTTTTCTTTCACGTCCAGCC-3'

ClinVar aggregate classification (germline): Uncertain significance (1 of 4 stars; one submission).

Conditions:
Paroxysmal nonkinesigenic dyskinesia. Also called: Paroxysmal non-kinesigenic dyskinesia. Identifiers: Orphanet 98810, MedGen C1869117, MONDO:0700088.

Allele frequency attached by ClinVar (database versions not stated): TOPMed below 0.00001.

Submission:

Labcorp Genetics (formerly Invitae), Labcorp
Classification: Uncertain significance for Paroxysmal nonkinesigenic dyskinesia. Last evaluated: 2021-10-11. Review status: criteria provided, single submitter. Criteria: Invitae Variant Classification Sherloc (09022015). Collection method: clinical testing. Allele origin: germline.
Comment: The frequency data for this variant in the population databases is considered unreliable, as metrics indicate insufficient coverage at this position in the ExAC database. This sequence change falls in intron 1 of the PNKD gene. It does not directly change the encoded amino acid sequence of the PNKD protein. It affects a nucleotide within the consensus splice site. In summary, the available evidence is currently insufficient to determine the role of this variant in disease. Therefore, it has been classified as a Variant of Uncertain Significance. Variants that disrupt the consensus splice site are a relatively common cause of aberrant splicing (PMID: 17576681, 9536098). Algorithms developed to predict the effect of sequence changes on RNA splicing suggest that this variant may disrupt the consensus splice site. This variant has not been reported in the literature in individuals affected with PNKD-related conditions.

Literature cited by the submitters: PubMed 17576681; PubMed 9536098.